The following is an entry in ClinVar:

NM_024740.2:c.896_1602del

Gene: ALG9 (ALG9 alpha-1,2-mannosyltransferase; minus strand).
Variant type: Deletion.
Other names: c.896_1602del (NM_024740.2).
Identifiers: ClinVar variation 3906843 (VCV003906843.1).

ClinVar aggregate classification (germline): Pathogenic (1 of 4 stars; one submission).

Conditions:
Familial cystic renal disease. Identifiers: Orphanet 93587, MedGen C5680285, MONDO:0019741.

Submission:

Mayo Translational Polycystic Kidney Disease Center, Mayo Clinic
Classification: Pathogenic for Familial cystic renal disease. Last evaluated: 2025-06-01. Review status: criteria provided, single submitter. Criteria: ACMG Guidelines, 2015. Collection method: research. Allele origin: germline. Inheritance: Autosomal dominant inheritance. Affected: yes.
Comment: The c.(896_1602)del variant in the ALG9 gene results in the deletion of exons 9 through 13, causing a frameshift and premature termination of translation. This large deletion is expected to lead to a truncated, non-functional protein or nonsense-mediated mRNA decay, fulfilling the ACMG PVS1 criterion for null variants in a gene where loss of function is a known disease mechanism. The variant is absent from population databases such as gnomAD v4.1.0, supporting PM2. It has been reported in individuals with mild polycystic kidney and liver disease, consistent with the phenotype associated with ALG9-related disorders (Jawaid, 2025), fulfilling PP4. Based on these multiple lines of evidence, this variant is classified as pathogenic.

Literature cited by the submitters: PubMed 39899384.